The following is an entry in ClinVar:

ClinVar aggregate classification (germline): Uncertain significance (1 of 4 stars; one submission).

Conditions:
Pallister-Hall syndrome (PHS). Also called: HYPOTHALAMIC HAMARTOBLASTOMA, HYPOPITUITARISM, IMPERFORATE ANUS, AND POSTAXIAL POLYDACTYLY; GLI3-Related Pallister-Hall Syndrome. Identifiers: Orphanet 672, MedGen C0265220, MONDO:0007804, OMIM 146510.
Greig cephalopolysyndactyly syndrome (GCPS). Also called: POLYSYNDACTYLY WITH PECULIAR SKULL SHAPE; Greig syndrome; GLI3-Related Greig Cephalopolysyndactyly Syndrome. Identifiers: Orphanet 380, MedGen C0265306, MONDO:0008287, OMIM 175700.

gnomAD v4.1: 1 of 1,613,668 alleles (0.000062%); no homozygotes.

Submission:

Labcorp Genetics (formerly Invitae), Labcorp
Classification: Uncertain significance for Pallister-Hall syndrome; Greig cephalopolysyndactyly syndrome. Last evaluated: 2025-05-14. Review status: criteria provided, single submitter. Criteria: Invitae Variant Classification Sherloc (09022015). Collection method: clinical testing. Allele origin: germline.
Comment: This sequence change replaces alanine, which is neutral and non-polar, with serine, which is neutral and polar, at codon 1271 of the GLI3 protein (p.Ala1271Ser). This variant is not present in population databases (gnomAD no frequency). This variant has not been reported in the literature in individuals affected with GLI3-related conditions. Invitae Evidence Modeling of protein sequence and biophysical properties (such as structural, functional, and spatial information, amino acid conservation, physicochemical variation, residue mobility, and thermodynamic stability) indicates that this missense variant is not expected to disrupt GLI3 protein function with a negative predictive value of 95%. In summary, the available evidence is currently insufficient to determine the role of this variant in disease. Therefore, it has been classified as a Variant of Uncertain Significance.

NM_000168.6(GLI3):c.3811G>T (p.Ala1271Ser)

Gene: GLI3 (GLI family zinc finger 3; minus strand). Cytogenetic location: 7p14.1.
Variant type: single nucleotide variant.
Coding change: c.3811G>T on transcript NM_000168.6 (MANE Select); coding-DNA position 3811, G replaced by T.
Protein change: p.Ala1271Ser; replaces alanine 1271 with serine.
Molecular consequence: missense variant.
Genome position (GRCh38, 1-based): chr7:41,965,262, C>A on the plus strand (G>T on the coding strand, the complement: GLI3 is on the minus strand). VCF-style: chr7-41965262-C-A. GRCh37 (hg19) VCF-style: chr7-42004860-C-A.
Other names: short protein forms A1271S.
Identifiers: ClinVar variation 4792016 (VCV004792016.1).